The following is an entry in ClinVar:

ClinVar aggregate classification (germline): Uncertain significance (1 of 4 stars; one submission).

Allele frequency attached by ClinVar (database versions not stated): TOPMed 0.00001; gnomAD exomes 0.00002 and 0.00003; gnomAD 0.00003 and 0.00004; ExAC 0.00004.
gnomAD v4.1: 30 of 1,609,976 alleles (0.0019%); highest among the groups gnomAD compares: Admixed American, 0.0067%; no homozygotes.

Submission:

Labcorp Genetics (formerly Invitae), Labcorp
Classification: Uncertain significance. Last evaluated: 2022-07-19. Review status: criteria provided, single submitter. Criteria: Invitae Variant Classification Sherloc (09022015). Collection method: clinical testing. Allele origin: germline.
Comment: This sequence change replaces asparagine, which is neutral and polar, with serine, which is neutral and polar, at codon 1318 of the CDK5RAP2 protein (p.Asn1318Ser). This variant is present in population databases (rs764546841, gnomAD 0.01%). This variant has not been reported in the literature in individuals affected with CDK5RAP2-related conditions. ClinVar contains an entry for this variant (Variation ID: 1472003). Algorithms developed to predict the effect of missense changes on protein structure and function output the following: SIFT: "Tolerated"; PolyPhen-2: "Benign"; Align-GVGD: "Class C0". The serine amino acid residue is found in multiple mammalian species, which suggests that this missense change does not adversely affect protein function. Algorithms developed to predict the effect of sequence changes on RNA splicing suggest that this variant may create or strengthen a splice site. In summary, the available evidence is currently insufficient to determine the role of this variant in disease. Therefore, it has been classified as a Variant of Uncertain Significance.

NM_018249.6(CDK5RAP2):c.3953A>G (p.Asn1318Ser)

Gene: CDK5RAP2 (CDK5 regulatory subunit associated protein 2; minus strand). Cytogenetic location: 9q33.2.
Variant type: single nucleotide variant.
Coding change: c.3953A>G on transcript NM_018249.6 (MANE Select); coding-DNA position 3953, A replaced by G.
Protein change: p.Asn1318Ser; replaces asparagine 1318 with serine.
Molecular consequence: missense variant. On other transcripts: non-coding transcript variant (5).
Genome position (GRCh38, 1-based): chr9:120,437,297, T>C on the plus strand (A>G on the coding strand, the complement: CDK5RAP2 is on the minus strand). VCF-style: chr9-120437297-T-C. GRCh37 (hg19) VCF-style: chr9-123199575-T-C.
Other names: c.3953A>G, p.Asn1318Ser (NM_001011649.3); c.3263A>G, p.Asn1088Ser (NM_001272039.2); short protein forms N1088S, N1318S.
Identifiers: ClinVar variation 1472003 (VCV001472003.5), dbSNP rs764546841, ClinGen allele CA5213729.